The following is an entry in ClinVar:

ClinVar aggregate classification (germline): Benign/Likely benign. Review status: criteria provided, multiple submitters, no conflicts (2 of 4 stars). 3 submissions from 3 submitters: Benign (1); Likely benign (2). Last evaluated 2024-06-24.

Conditions:
Ataxia-telangiectasia syndrome (AT). Also called: Ataxia-telangiectasia, complementation group D; AT, COMPLEMENTATION GROUP C; ATAXIA-TELANGIECTASIA, COMPLEMENTATION GROUP A; ATAXIA-TELANGIECTASIA, FRESNO VARIANT; Ataxia-telangiectasia; LOUIS-BAR SYNDROME. Identifiers: Orphanet 100, MedGen C0004135, MONDO:0008840, OMIM 208900.
Familial cancer of breast. Also called: Hereditary breast cancer; BREAST CANCER, FAMILIAL; hereditary breast carcinoma. Identifiers: Orphanet 227535, MedGen C0346153, MONDO:0016419, OMIM 114480. Disease mechanism: loss of function.
Hereditary cancer-predisposing syndrome. Also called: Tumor predisposition; Hereditary neoplastic syndrome; Neoplastic Syndromes, Hereditary; Hereditary Cancer Syndrome. Identifiers: Orphanet 140162, MedGen C0027672, MeSH D009386, MONDO:0015356.

Submissions (3):

Myriad Genetics, Inc.
Classification: Benign for Familial cancer of breast. Last evaluated: 2024-06-24. Review status: criteria provided, single submitter. Criteria: Myriad Autosomal Dominant, Autosomal Recessive and X-Linked Classification Criteria (2023). Collection method: clinical testing. Allele origin: unknown.
Comment: This variant is considered benign. This variant is a silent/synonymous amino acid change and it is not expected to impact splicing.

Labcorp Genetics (formerly Invitae), Labcorp
Classification: Likely benign for Ataxia-telangiectasia syndrome. Last evaluated: 2018-06-20. Review status: criteria provided, single submitter. Criteria: Invitae Variant Classification Sherloc (09022015). Collection method: clinical testing. Allele origin: germline.

Color Diagnostics, LLC DBA Color Health
Classification: Likely benign for Hereditary cancer-predisposing syndrome. Last evaluated: 2018-05-29. Review status: criteria provided, single submitter. Criteria: ACMG Guidelines, 2015. Collection method: clinical testing. Allele origin: germline.

NM_000051.4(ATM):c.9096G>A (p.Val3032=)

Genes: ATM (ATM serine/threonine kinase; plus strand), C11orf65 (chromosome 11 open reading frame 65; minus strand). Cytogenetic location: 11q22.3.
Variant type: single nucleotide variant.
Coding change: c.9096G>A on transcript NM_000051.4 (MANE Select); coding-DNA position 9096, G replaced by A.
Protein change: p.Val3032=; no amino-acid change (valine 3032 retained).
Molecular consequence: synonymous variant. On other transcripts: intron variant (2).
Genome position (GRCh38, 1-based): chr11:108,365,433, G>A. VCF-style: chr11-108365433-G-A. GRCh37 (hg19) VCF-style: chr11-108236160-G-A.
Other names: c.9096G>A, p.Val3032= (NM_001351834.2); c.640+20487C>T (NM_001330368.2); c.694+20487C>T (NM_001351110.2).
Identifiers: ClinVar variation 628502 (VCV000628502.12), dbSNP rs1565609478, ClinGen allele CA476745239.